The following is an entry in ClinVar:

NM_000075.4(CDK4):c.899G>T (p.Gly300Val)

Genes: CDK4 (cyclin dependent kinase 4; minus strand), TSPAN31 (tetraspanin 31; plus strand). Cytogenetic location: 12q14.1.
Variant type: single nucleotide variant.
Coding change: c.899G>T on transcript NM_000075.4 (MANE Select); coding-DNA position 899, G replaced by T.
Protein change: p.Gly300Val; replaces glycine 300 with valine.
Molecular consequence: missense variant. On other transcripts: 3 prime UTR variant (3).
Genome position (GRCh38, 1-based): chr12:57,748,538, C>A on the plus strand (G>T on the coding strand, the complement: CDK4 is on the minus strand). VCF-style: chr12-57748538-C-A. GRCh37 (hg19) VCF-style: chr12-58142321-C-A.
Other names: c.*1248C>A (NM_001330168.2, NM_001330169.2, NM_005981.5); short protein forms G300V.
Identifiers: ClinVar variation 2812839 (VCV002812839.3), dbSNP rs2140380982, ClinGen allele CA385542189.

ClinVar aggregate classification (germline): Uncertain significance (1 of 4 stars; one submission).

Conditions:
Familial melanoma. Also called: Hereditary melanoma; Hereditary cutaneous melanoma. Identifiers: Orphanet 618, MedGen C1512419, MONDO:0018961.

Submission:

Labcorp Genetics (formerly Invitae), Labcorp
Classification: Uncertain significance for Familial melanoma. Last evaluated: 2022-11-08. Review status: criteria provided, single submitter. Criteria: Invitae Variant Classification Sherloc (09022015). Collection method: clinical testing. Allele origin: germline.
Comment: In summary, the available evidence is currently insufficient to determine the role of this variant in disease. Therefore, it has been classified as a Variant of Uncertain Significance. Advanced modeling of protein sequence and biophysical properties (such as structural, functional, and spatial information, amino acid conservation, physicochemical variation, residue mobility, and thermodynamic stability) performed at Invitae indicates that this missense variant is not expected to disrupt CDK4 protein function. This sequence change replaces glycine, which is neutral and non-polar, with valine, which is neutral and non-polar, at codon 300 of the CDK4 protein (p.Gly300Val). This variant is not present in population databases (gnomAD no frequency). This variant has not been reported in the literature in individuals affected with CDK4-related conditions.